The following is an entry in ClinVar:

NM_032043.3(BRIP1):c.1670C>T (p.Ser557Phe)

Gene: BRIP1 (BRCA1 interacting DNA helicase 1; minus strand). Cytogenetic location: 17q23.2.
Variant type: single nucleotide variant.
Coding change: c.1670C>T on transcript NM_032043.3 (MANE Select); coding-DNA position 1670, C replaced by T.
Protein change: p.Ser557Phe; replaces serine 557 with phenylalanine.
Molecular consequence: missense variant.
Genome position (GRCh38, 1-based): chr17:61,780,964, G>A on the plus strand (C>T on the coding strand, the complement: BRIP1 is on the minus strand). VCF-style: chr17-61780964-G-A. GRCh37 (hg19) VCF-style: chr17-59858325-G-A.
Other names: short protein forms S557F.
Identifiers: ClinVar variation 932097 (VCV000932097.17), dbSNP rs1375911072, ClinGen allele CA400480501.

ClinVar aggregate classification (germline): Uncertain significance. Review status: criteria provided, multiple submitters, no conflicts (2 of 4 stars). 5 submissions from 5 submitters: Uncertain significance (5). Last evaluated 2024-12-26.

Conditions:
Fanconi anemia complementation group J. Also called: BRIP1-Related Fanconi Anemia. Identifiers: Orphanet 84, MedGen C1836860, MONDO:0012187, OMIM 609054.
Familial cancer of breast. Also called: BREAST CANCER, FAMILIAL; hereditary breast carcinoma; Hereditary breast cancer. Identifiers: Orphanet 227535, MedGen C0346153, MONDO:0016419, OMIM 114480. Disease mechanism: loss of function.
Hereditary cancer-predisposing syndrome. Also called: Tumor predisposition; Hereditary neoplastic syndrome; Neoplastic Syndromes, Hereditary; Hereditary Cancer Syndrome. Identifiers: Orphanet 140162, MedGen C0027672, MeSH D009386, MONDO:0015356.

Allele frequency attached by ClinVar (database versions not stated): gnomAD exomes below 0.00001; gnomAD 0.00001; TOPMed 0.00001.
gnomAD v4.1: 1 of 1,613,876 alleles (0.000062%); highest among the groups gnomAD compares: African/African-American, 0.0013%; no homozygotes.

Submissions (5):

Labcorp Genetics (formerly Invitae), Labcorp
Classification: Uncertain significance for Familial cancer of breast; Fanconi anemia complementation group J. Last evaluated: 2024-12-26. Review status: criteria provided, single submitter. Criteria: Invitae Variant Classification Sherloc (09022015). Collection method: clinical testing. Allele origin: germline.
Comment: This sequence change replaces serine, which is neutral and polar, with phenylalanine, which is neutral and non-polar, at codon 557 of the BRIP1 protein (p.Ser557Phe). This variant is present in population databases (no rsID available, gnomAD 0.007%). This variant has not been reported in the literature in individuals affected with BRIP1-related conditions. ClinVar contains an entry for this variant (Variation ID: 932097). Invitae Evidence Modeling of protein sequence and biophysical properties (such as structural, functional, and spatial information, amino acid conservation, physicochemical variation, residue mobility, and thermodynamic stability) has been performed for this missense variant. However, the output from this modeling did not meet the statistical confidence thresholds required to predict the impact of this variant on BRIP1 protein function. In summary, the available evidence is currently insufficient to determine the role of this variant in disease. Therefore, it has been classified as a Variant of Uncertain Significance.

Ambry Genetics
Classification: Uncertain significance for Hereditary cancer-predisposing syndrome. Last evaluated: 2023-09-29. Review status: criteria provided, single submitter. Criteria: Ambry Variant Classification Scheme 2023. Collection method: clinical testing. Allele origin: germline.
Comment: The p.S557F variant (also known as c.1670C>T), located in coding exon 11 of the BRIP1 gene, results from a C to T substitution at nucleotide position 1670. The serine at codon 557 is replaced by phenylalanine, an amino acid with highly dissimilar properties. This amino acid position is not well conserved in available vertebrate species. In addition, the in silico prediction for this alteration is inconclusive. Since supporting evidence is limited at this time, the clinical significance of this alteration remains unclear.

Baylor Genetics
Classification: Uncertain significance for Familial cancer of breast. Last evaluated: 2023-07-08. Review status: criteria provided, single submitter. Criteria: ACMG Guidelines, 2015. Collection method: clinical testing. Allele origin: unknown.

GeneDx
Classification: Uncertain significance. Last evaluated: 2022-06-20. Review status: criteria provided, single submitter. Criteria: GeneDx Variant Classification Process June 2021. Collection method: clinical testing. Allele origin: germline. Affected: yes.
Comment: Not observed at significant frequency in large population cohorts (gnomAD); In silico analysis supports that this missense variant does not alter protein structure/function; Has not been previously published as pathogenic or benign to our knowledge

Centre for Mendelian Genomics, University Medical Centre Ljubljana
Classification: Uncertain significance for Fanconi anemia complementation group J. Last evaluated: 2019-05-13. Review status: criteria provided, single submitter. Criteria: ACMG Guidelines, 2015. Collection method: clinical testing. Allele origin: unknown. Affected: yes.
Comment: This variant was classified as: Uncertain significance. The available evidence on this variant's pathogenicity is insufficient or conflicting. The following ACMG criteria were applied in classifying this variant: BP1.